The following is an entry in ClinVar:

ClinVar aggregate classification (germline): Likely pathogenic. Review status: criteria provided, single submitter (1 of 4 stars). 3 submissions from 3 submitters: Likely pathogenic (1). 2 of the submissions do not count toward it. Last evaluated 2024-02-09.

Conditions:
Charcot-Marie-Tooth disease. Also called: Charcot-Marie-Tooth Hereditary Neuropathy; Charcot-Marie-Tooth Neuropathy. Identifiers: Orphanet 166, MedGen C0007959, MONDO:0015626.
Charcot-Marie-Tooth disease X-linked dominant 1. Also called: Charcot-Marie-Tooth Neuropathy X Type 1; X-linked Charcot-Marie-Tooth disease type 1; GJB1 Disorders: Charcot-Marie-Tooth Neuropathy (CMT1X) and Central Nervous System Phenotypes; CHARCOT-MARIE-TOOTH NEUROPATHY, X-LINKED, 1; CHARCOT-MARIE-TOOTH PERONEAL MUSCULAR ATROPHY, X-LINKED; HEREDITARY MOTOR AND SENSORY NEUROPATHY, X-LINKED. Identifiers: Orphanet 101075, MedGen C0393808, MONDO:0010549, OMIM 302800.

Submissions (3):

Institute of Immunology and Genetics Kaiserslautern
Classification: Likely pathogenic for Charcot-Marie-Tooth disease X-linked dominant 1. Last evaluated: 2024-02-09. Review status: criteria provided, single submitter. Criteria: ACMG Guidelines, 2015. Collection method: clinical testing. Allele origin: germline. Affected: yes.
Comment: ACMG Criteria: PP3, PM1, PM2, PM5, Variant was found in heterozygous state

Clinical Genetics Laboratory, University Hospital Schleswig-Holstein
Classification: Likely pathogenic for Charcot-Marie-Tooth disease X-linked dominant 1. Last evaluated: 2023-10-12. Review status: no assertion criteria provided. Collection method: clinical testing. Allele origin: germline. Affected: yes. Not counted in ClinVar's aggregate classification.

Inherited Neuropathy Consortium
Classification: Uncertain significance for Charcot-Marie-Tooth disease. Review status: no assertion criteria provided. Collection method: literature only. Allele origin: germline. Affected: yes. Not counted in ClinVar's aggregate classification.

Literature cited by the submitters: PubMed 16922730 (cited by Inherited Neuropathy Consortium).

NM_000166.6(GJB1):c.137A>G (p.Asp46Gly)

Gene: GJB1 (gap junction protein beta 1; plus strand). Cytogenetic location: Xq13.1.
Variant type: single nucleotide variant.
Coding change: c.137A>G on transcript NM_000166.6 (MANE Select); coding-DNA position 137, A replaced by G.
Protein change: p.Asp46Gly; replaces aspartic acid 46 with glycine.
Molecular consequence: missense variant.
Genome position (GRCh38, 1-based): chrX:71,223,844, A>G. VCF-style: chrX-71223844-A-G. GRCh37 (hg19) VCF-style: chrX-70443694-A-G.
Other names: c.137A>G, p.Asp46Gly (NM_001097642.3); short protein forms D46G.
Identifiers: ClinVar variation 637655 (VCV000637655.3), dbSNP rs1602348820, ClinGen allele CA413501083.